The following is an entry in ClinVar:

NM_004415.4(DSP):c.7616T>C (p.Val2539Ala)

Gene: DSP (desmoplakin; plus strand). Cytogenetic location: 6p24.3.
Variant type: single nucleotide variant.
Coding change: c.7616T>C on transcript NM_004415.4 (MANE Select); coding-DNA position 7616, T replaced by C.
Protein change: p.Val2539Ala; replaces valine 2539 with alanine.
Molecular consequence: missense variant.
Genome position (GRCh38, 1-based): chr6:7,584,878, T>C. VCF-style: chr6-7584878-T-C. GRCh37 (hg19) VCF-style: chr6-7585111-T-C.
Other names: c.5819T>C, p.Val1940Ala (NM_001008844.3); c.6287T>C, p.Val2096Ala (NM_001319034.2); short protein forms V1940A, V2096A, V2539A.
Identifiers: ClinVar variation 3074792 (VCV003074792.3), dbSNP rs1759583769, ClinGen allele CA362693402.

ClinVar aggregate classification (germline): Uncertain significance. Review status: criteria provided, multiple submitters, no conflicts (2 of 4 stars). 3 submissions from 3 submitters: Uncertain significance (3). Last evaluated 2025-07-17.

Conditions:
Arrhythmogenic cardiomyopathy with wooly hair and keratoderma. Also called: PALMOPLANTAR KERATODERMA WITH LEFT VENTRICULAR CARDIOMYOPATHY AND WOOLLY HAIR; Carvajal syndrome; Dilated cardiomyopathy with woolly hair and keratoderma; Arrhythmogenic cardiomyopathy with woolly hair and keratoderma. Identifiers: Orphanet 65282, MedGen C1854063, MONDO:0011581, OMIM 605676.
Cardiomyopathy (CMYO). Also called: Cardiomyopathies. Identifiers: Orphanet 167848, MedGen C0878544, MONDO:0004994, HP:0001638. Inheritance: Various modes of inheritance.

Allele frequency attached by ClinVar (database versions not stated): gnomAD exomes below 0.00001.

Submissions (3):

GeneDx
Classification: Uncertain significance. Last evaluated: 2025-07-17. Review status: criteria provided, single submitter. Criteria: GeneDx Variant Classification Process June 2021. Collection method: clinical testing. Allele origin: germline. Affected: yes.
Comment: Not observed at significant frequency in large population cohorts (gnomAD); In silico analysis supports that this missense variant has a deleterious effect on protein structure/function; Has not been previously published as pathogenic or benign to our knowledge

Color Diagnostics, LLC DBA Color Health
Classification: Uncertain significance for Cardiomyopathy. Last evaluated: 2025-03-24. Review status: criteria provided, single submitter. Criteria: ACMG Guidelines, 2015. Collection method: clinical testing. Allele origin: germline.
Comment: This missense variant replaces valine with alanine at codon 2539 of the DSP protein. Computational prediction suggests that this variant may not impact protein structure and function. To our knowledge, functional studies have not been reported for this variant. This variant has not been reported in individuals affected with DSP-related disorders in the literature. This variant has not been identified in the general population by the Genome Aggregation Database (gnomAD). The available evidence is insufficient to determine the role of this variant in disease conclusively. Therefore, this variant is classified as a Variant of Uncertain Significance.

All of Us Research Program, National Institutes of Health
Classification: Uncertain significance for Arrhythmogenic cardiomyopathy with wooly hair and keratoderma. Last evaluated: 2023-12-13. Review status: criteria provided, single submitter. Criteria: ACMG Guidelines, 2015. Collection method: clinical testing. Allele origin: germline. Inheritance: Autosomal dominant inheritance. Observed: 1 variant allele, 1 heterozygote.
Comment: This missense variant replaces valine with alanine at codon 2539 of the DSP protein. Computational prediction suggests that this variant may not impact protein structure and function (internally defined REVEL score threshold <= 0.5, PMID: 27666373). To our knowledge, functional studies have not been reported for this variant. This variant has not been reported in individuals affected with cardiovascular disorders in the literature. This variant has not been identified in the general population by the Genome Aggregation Database (gnomAD). The available evidence is insufficient to determine the role of this variant in disease conclusively. Therefore, this variant is classified as a Variant of Uncertain Significance.

This study involves interpretation of variants in research participants for the purpose of population health screening. Participant phenotype was not available at the time of variant classification. Additional details can be found in publication PMID: 35346344, PMCID: PMC8962531